The following is an entry in ClinVar:

ClinVar aggregate classification (germline): Likely pathogenic (1 of 4 stars; one submission).

Conditions:
DNA ligase IV deficiency. Identifiers: Orphanet 99812, MedGen C1847827, MONDO:0011686, OMIM 606593.

Submission:

Labcorp Genetics (formerly Invitae), Labcorp
Classification: Likely pathogenic for DNA ligase IV deficiency. Last evaluated: 2024-06-22. Review status: criteria provided, single submitter. Criteria: Invitae Variant Classification Sherloc (09022015). Collection method: clinical testing. Allele origin: germline.
Comment: This sequence change replaces glutamine, which is neutral and polar, with proline, which is neutral and non-polar, at codon 280 of the LIG4 protein (p.Gln280Pro). This variant is not present in population databases (gnomAD no frequency). This variant has not been reported in the literature in individuals affected with LIG4-related conditions. Advanced modeling of protein sequence and biophysical properties (such as structural, functional, and spatial information, amino acid conservation, physicochemical variation, residue mobility, and thermodynamic stability) performed at Invitae indicates that this missense variant is expected to disrupt LIG4 protein function with a positive predictive value of 95%. This variant disrupts the p.Gln280 amino acid residue in LIG4. Other variant(s) that disrupt this residue have been determined to be pathogenic (PMID: 16358361). This suggests that this residue is clinically significant, and that variants that disrupt this residue are likely to be disease-causing. In summary, the currently available evidence indicates that the variant is pathogenic, but additional data are needed to prove that conclusively. Therefore, this variant has been classified as Likely Pathogenic.

Literature cited by the submitters: PubMed 16358361.

NM_206937.2(LIG4):c.839A>C (p.Gln280Pro)

Gene: LIG4 (DNA ligase 4; minus strand). Cytogenetic location: 13q33.3.
Variant type: single nucleotide variant.
Coding change: c.839A>C on transcript NM_206937.2 (MANE Select); coding-DNA position 839, A replaced by C.
Protein change: p.Gln280Pro; replaces glutamine 280 with proline.
Molecular consequence: missense variant.
Genome position (GRCh38, 1-based): chr13:108,210,430, T>G on the plus strand (A>C on the coding strand, the complement: LIG4 is on the minus strand). VCF-style: chr13-108210430-T-G. GRCh37 (hg19) VCF-style: chr13-108862778-T-G.
Other names: c.839A>C, p.Gln280Pro (NM_001098268.2, NM_001352598.2, NM_001352599.2 and 6 more transcripts); c.638A>C, p.Gln213Pro (NM_001330595.2); c.875A>C, p.Gln292Pro (NM_001352604.2); short protein forms Q213P, Q280P, Q292P.
Identifiers: ClinVar variation 3657447 (VCV003657447.2).